The following is an entry in ClinVar:

NM_017849.4(TMEM127):c.245-158A>C

Gene: TMEM127 (transmembrane protein 127; minus strand). Cytogenetic location: 2q11.2.
Variant type: single nucleotide variant.
Coding change: c.245-158A>C on transcript NM_017849.4 (MANE Select); 158 bases into the intron before coding-DNA position 245, A replaced by C.
Molecular consequence: intron variant.
Genome position (GRCh38, 1-based): chr2:96,255,155, T>G on the plus strand (A>C on the coding strand, the complement: TMEM127 is on the minus strand). VCF-style: chr2-96255155-T-G. GRCh37 (hg19) VCF-style: chr2-96920893-T-G.
Other names: c.245-158A>C (NM_001193304.3).
Identifiers: ClinVar variation 677245 (VCV000677245.2), dbSNP rs72825877, ClinGen allele CA11075660.

ClinVar aggregate classification (germline): Benign. Review status: criteria provided, multiple submitters, no conflicts (2 of 4 stars). 2 submissions from 2 submitters: Benign (2). Last evaluated 2018-06-20.

Allele frequency attached by ClinVar (database versions not stated): TOPMed 0.14260; gnomAD 0.14584 and 0.15041; 1000 Genomes Project 30x 0.15646; 1000 Genomes Project 0.15655.
gnomAD v4.1: 22,973 of 152,212 alleles (15%); highest among the groups gnomAD compares: South Asian, 27%; 1,898 homozygotes.

Submissions (2):

GeneDx
Classification: Benign. Last evaluated: 2018-06-20. Review status: criteria provided, single submitter. Criteria: GeneDx Variant Classification (06012015). Collection method: clinical testing. Allele origin: germline. Affected: yes.
Comment: This variant is considered likely benign or benign based on one or more of the following criteria: it is a conservative change, it occurs at a poorly conserved position in the protein, it is predicted to be benign by multiple in silico algorithms, and/or has population frequency not consistent with disease.

Breakthrough Genomics
Classification: Benign. Review status: criteria provided, single submitter. Criteria: ACMG Guidelines, 2015. Collection method: not provided. Allele origin: germline. Inheritance: Autosomal dominant inheritance. Affected: yes.